The following is an entry in ClinVar:

NM_002249.6(KCNN3):c.1351A>G (p.Met451Val)

Gene: KCNN3 (potassium calcium-activated channel subfamily N member 3; minus strand). Cytogenetic location: 1q21.3.
Variant type: single nucleotide variant.
Coding change: c.1351A>G on transcript NM_002249.6 (MANE Select); coding-DNA position 1351, A replaced by G.
Protein change: p.Met451Val; replaces methionine 451 with valine.
Molecular consequence: missense variant.
Genome position (GRCh38, 1-based): chr1:154,772,072, T>C on the plus strand (A>G on the coding strand, the complement: KCNN3 is on the minus strand). VCF-style: chr1-154772072-T-C. GRCh37 (hg19) VCF-style: chr1-154744548-T-C.
Other names: c.1351A>G, p.Met451Val (NM_001204087.2); c.412A>G, p.Met138Val (NM_001365837.1, NM_001365838.1); c.436A>G, p.Met146Val (NM_170782.3); short protein forms M138V, M146V, M451V.
Identifiers: ClinVar variation 2635791 (VCV002635791.1), dbSNP rs1648584138, ClinGen allele CA343066571.

ClinVar aggregate classification (germline): Uncertain significance (1 of 4 stars; one submission).

Conditions:
KCNN3-related disorder. Also called: KCNN3-related condition.

Allele frequency attached by ClinVar (database versions not stated): gnomAD exomes below 0.00001; TOPMed below 0.00001.
gnomAD v4.1: 1 of 1,614,168 alleles (0.000062%); highest among the groups gnomAD compares: Non-Finnish European, 0.000085%; no homozygotes.

Submission:

PreventionGenetics, part of Exact Sciences
Classification: Uncertain significance for KCNN3-related condition. Last evaluated: 2023-09-12. Review status: criteria provided, single submitter. Criteria: ACMG Guidelines, 2015. Collection method: clinical testing. Allele origin: germline.
Comment: The KCNN3 c.1351A>G variant is predicted to result in the amino acid substitution p.Met451Val. To our knowledge, this variant has not been reported in the literature or in a large population database, indicating this variant is rare. At this time, the clinical significance of this variant is uncertain due to the absence of conclusive functional and genetic evidence.